The following is an entry in ClinVar:

NM_001267550.2(TTN):c.103709G>A (p.Trp34570Ter)

Genes: TTN (titin; minus strand), TTN-AS1 (TTN antisense RNA 1; plus strand). Cytogenetic location: 2q31.2.
Variant type: single nucleotide variant.
Coding change: c.103709G>A on transcript NM_001267550.2 (MANE Select); coding-DNA position 103709, G replaced by A.
Protein change: p.Trp34570Ter; replaces tryptophan 34570 with a stop codon.
Molecular consequence: nonsense.
Genome position (GRCh38, 1-based): chr2:178,532,906, C>T on the plus strand (G>A on the coding strand, the complement: TTN is on the minus strand). VCF-style: chr2-178532906-C-T. GRCh37 (hg19) VCF-style: chr2-179397633-C-T.
Other names: c.98786G>A, p.Trp32929Ter (NM_001256850.1); c.76514G>A, p.Trp25505Ter (NM_003319.4); c.96005G>A, p.Trp32002Ter (NM_133378.4); c.76889G>A, p.Trp25630Ter (NM_133432.3); c.77090G>A, p.Trp25697Ter (NM_133437.4); short protein forms W25505*, W25630*, W25697*, W32002*, W32929*, W34570*.
Identifiers: ClinVar variation 4855319 (VCV004855319.1).

ClinVar aggregate classification (germline): Likely pathogenic (1 of 4 stars; one submission).

Conditions:
Autosomal recessive limb-girdle muscular dystrophy type 2J (LGMDR10). Also called: MUSCULAR DYSTROPHY, LIMB-GIRDLE, AUTOSOMAL RECESSIVE 10; Limb-girdle muscular dystrophy, type 2J. Identifiers: Orphanet 140922, MedGen C1837342, MONDO:0012127, OMIM 608807.

gnomAD v4.1: 1 of 1,613,856 alleles (0.000062%); highest among the groups gnomAD compares: Non-Finnish European, 0.000085%; no homozygotes.

Submission:

3billion
Classification: Likely pathogenic for Autosomal recessive limb-girdle muscular dystrophy type 2J. Last evaluated: 2025-08-12. Review status: criteria provided, single submitter. Criteria: ACMG Guidelines, 2015. Collection method: clinical testing. Allele origin: germline. Affected: yes.
Comment: The variant is observed at an extremely low frequency in the gnomAD v4.1.0 dataset (total allele frequency: <0.001%). Predicted Consequence/Location: Stop-gained (nonsense): predicted to result in a loss or disruption of normal protein function through nonsense-mediated decay (NMD) or protein truncation. Multiple pathogenic variants are reported downstream of the variant. Therefore, this variant is classified as Likely pathogenic according to the recommendation of ACMG/AMP guideline.